The following is an entry in ClinVar:

NM_020066.5(FMN2):c.2916A>G (p.Gly972=)

Gene: FMN2 (formin 2; plus strand). Cytogenetic location: 1q43.
Variant type: single nucleotide variant.
Coding change: c.2916A>G on transcript NM_020066.5 (MANE Select); coding-DNA position 2916, A replaced by G.
Protein change: p.Gly972=; no amino-acid change (glycine 972 retained).
Molecular consequence: synonymous variant. On other transcripts: intron variant (1).
Genome position (GRCh38, 1-based): chr1:240,207,728, A>G. VCF-style: chr1-240207728-A-G. GRCh37 (hg19) VCF-style: chr1-240371028-A-G.
Other names: c.2928A>G, p.Gly976= (NM_001305424.2); c.1986+19466A>G (NM_001348094.2).
Identifiers: ClinVar variation 3056382 (VCV003056382.1), dbSNP rs150923193, ClinGen allele CA1476882.

ClinVar aggregate classification (germline): Benign (1 of 4 stars; one submission).

Conditions:
FMN2-related disorder. Also called: FMN2-related condition.

Allele frequency attached by ClinVar (database versions not stated): gnomAD 0.00982; ExAC 0.03189; ESP Exome Variant Server 0.03426.
gnomAD v4.1: 7,452 of 1,290,036 alleles (0.58%); highest among the groups gnomAD compares: Non-Finnish European, 0.65%; 10 homozygotes.

Submission:

PreventionGenetics, part of Exact Sciences
Classification: Benign for FMN2-related condition. Last evaluated: 2019-08-09. Review status: criteria provided, single submitter. Criteria: ACMG Guidelines, 2015. Collection method: clinical testing. Allele origin: germline.
Comment: This variant is classified as benign based on ACMG/AMP sequence variant interpretation guidelines (Richards et al. 2015 PMID: 25741868, with internal and published modifications).